The following is an entry in ClinVar:

NM_000136.3(FANCC):c.288T>C (p.Cys96=)

Gene: FANCC (FA complementation group C; minus strand). Cytogenetic location: 9q22.32.
Variant type: single nucleotide variant.
Coding change: c.288T>C on transcript NM_000136.3 (MANE Select); coding-DNA position 288, T replaced by C.
Protein change: p.Cys96=; no amino-acid change (cysteine 96 retained).
Molecular consequence: synonymous variant.
Genome position (GRCh38, 1-based): chr9:95,240,706, A>G on the plus strand (T>C on the coding strand, the complement: FANCC is on the minus strand). VCF-style: chr9-95240706-A-G. GRCh37 (hg19) VCF-style: chr9-98002988-A-G.
Other names: c.288T>C, p.Cys96= (NM_001243743.2, NM_001243744.2).
Identifiers: ClinVar variation 220022 (VCV000220022.13), dbSNP rs864622349, ClinGen allele CA350714.
Genomic context (GRCh38, chr9:95,240,706, plus strand): 5'-TACCTGTATCCAGGAGTTAAGTTTTGATTGTCCAGAATTCTGTGGTTCTTTGTTAATTAG[A>G]CAACATAAGCACCATATTAGAATTTTTTGGCTTTCATCTACAAAAAGGAAAACTTAATAA-3'
Protein context (NP_000127.2, residues 86-106): SQKILIWCLC[Cys96=]LINKEPQNSG

ClinVar aggregate classification (germline): Likely benign. Review status: criteria provided, multiple submitters, no conflicts (2 of 4 stars). 3 submissions from 3 submitters: Likely benign (3). Last evaluated 2024-04-22.

Conditions:
Hereditary cancer-predisposing syndrome. Also called: Hereditary neoplastic syndrome; Tumor predisposition; Hereditary Cancer Syndrome; Neoplastic Syndromes, Hereditary. Identifiers: Orphanet 140162, MedGen C0027672, MeSH D009386, MONDO:0015356.
Fanconi anemia (FA). Also called: Fanconi's anemia. Identifiers: Orphanet 84, MedGen C0015625, MeSH D005199, MONDO:0019391.

Allele frequency attached by ClinVar (database versions not stated): gnomAD exomes below 0.00001; TOPMed below 0.00001.
gnomAD v4.1: 2 of 1,613,350 alleles (0.00012%); highest among the groups gnomAD compares: Non-Finnish European, 0.00017%; no homozygotes.

Submissions (3):

Labcorp Genetics (formerly Invitae), Labcorp
Classification: Likely benign for Fanconi anemia. Last evaluated: 2024-04-22. Review status: criteria provided, single submitter. Criteria: Invitae Variant Classification Sherloc (09022015). Collection method: clinical testing. Allele origin: germline.

Ambry Genetics
Classification: Likely benign for Hereditary cancer-predisposing syndrome. Last evaluated: 2022-03-19. Review status: criteria provided, single submitter. Criteria: Ambry Variant Classification Scheme 2023. Collection method: clinical testing. Allele origin: germline.

GeneDx
Classification: Likely benign. Last evaluated: 2018-05-11. Review status: criteria provided, single submitter. Criteria: GeneDx Variant Classification (06012015). Collection method: clinical testing. Allele origin: germline. Affected: yes.
Comment: This variant is considered likely benign or benign based on one or more of the following criteria: it is a conservative change, it occurs at a poorly conserved position in the protein, it is predicted to be benign by multiple in silico algorithms, and/or has population frequency not consistent with disease.